The following is an entry in ClinVar:

ClinVar aggregate classification (germline): Uncertain significance. Review status: criteria provided, multiple submitters, no conflicts (2 of 4 stars). 2 submissions from 2 submitters: Uncertain significance (2). Last evaluated 2023-01-19.

Conditions:
Inborn genetic diseases. Identifiers: MedGen C0950123, MeSH D030342.
Atrial fibrillation, familial, 7 (ATFB7). Identifiers: MedGen C2677106, MONDO:0012828, OMIM 612240.

Submissions (2):

Labcorp Genetics (formerly Invitae), Labcorp
Classification: Uncertain significance for Atrial fibrillation, familial, 7. Last evaluated: 2023-01-19. Review status: criteria provided, single submitter. Criteria: Invitae Variant Classification Sherloc (09022015). Collection method: clinical testing. Allele origin: germline.
Comment: This variant has not been reported in the literature in individuals affected with KCNA5-related conditions. This variant is not present in population databases (gnomAD no frequency). This sequence change replaces arginine, which is basic and polar, with histidine, which is basic and polar, at codon 212 of the KCNA5 protein (p.Arg212His). Advanced modeling of protein sequence and biophysical properties (such as structural, functional, and spatial information, amino acid conservation, physicochemical variation, residue mobility, and thermodynamic stability) performed at Invitae indicates that this missense variant is not expected to disrupt KCNA5 protein function. In summary, the available evidence is currently insufficient to determine the role of this variant in disease. Therefore, it has been classified as a Variant of Uncertain Significance.

Ambry Genetics
Classification: Uncertain significance for Inborn genetic diseases. Last evaluated: 2021-12-07. Review status: criteria provided, single submitter. Criteria: Ambry Variant Classification Scheme 2023. Collection method: clinical testing. Allele origin: germline.

NM_002234.4(KCNA5):c.635G>A (p.Arg212His)

Gene: KCNA5 (potassium voltage-gated channel subfamily A member 5; plus strand). Cytogenetic location: 12p13.32.
Variant type: single nucleotide variant.
Coding change: c.635G>A on transcript NM_002234.4 (MANE Select); coding-DNA position 635, G replaced by A.
Protein change: p.Arg212His; replaces arginine 212 with histidine.
Molecular consequence: missense variant.
Genome position (GRCh38, 1-based): chr12:5,044,782, G>A. VCF-style: chr12-5044782-G-A. GRCh37 (hg19) VCF-style: chr12-5153948-G-A.
Other names: short protein forms R212H.
Identifiers: ClinVar variation 2266006 (VCV002266006.5), dbSNP rs2497478821, ClinGen allele CA383464835.
Genomic context (GRCh38, chr12:5,044,782, plus strand): 5'-CCCTGGACGTGTTCGCGGACGAGATACGCTTCTACCAGCTGGGGGACGAGGCCATGGAGC[G>A]CTTCCGCGAGGATGAGGGCTTCATTAAAGAAGAGGAGAAGCCCCTGCCCCGCAACGAGTT-3'
Protein context (NP_002225.2, residues 202-222): FYQLGDEAME[Arg212His]FREDEGFIKE